The following is an entry in ClinVar:

ClinVar aggregate classification (germline): Uncertain significance (1 of 4 stars; one submission).

gnomAD v4.1: 26 of 1,545,784 alleles (0.0017%); highest among the groups gnomAD compares: Middle Eastern, 0.017%; no homozygotes.

Submission:

Labcorp Genetics (formerly Invitae), Labcorp
Classification: Uncertain significance. Last evaluated: 2024-01-28. Review status: criteria provided, single submitter. Criteria: Invitae Variant Classification Sherloc (09022015). Collection method: clinical testing. Allele origin: germline.
Comment: This sequence change replaces histidine, which is basic and polar, with aspartic acid, which is acidic and polar, at codon 196 of the DGKZ protein (p.His196Asp). This variant is present in population databases (rs772211301, gnomAD 0.002%). This variant has not been reported in the literature in individuals affected with DGKZ-related conditions. An algorithm developed to predict the effect of missense changes on protein structure and function (PolyPhen-2) suggests that this variant is likely to be tolerated. In summary, the available evidence is currently insufficient to determine the role of this variant in disease. Therefore, it has been classified as a Variant of Uncertain Significance.

NM_001199267.2(DGKZ):c.162-449C>G

Gene: DGKZ (diacylglycerol kinase zeta; plus strand). Cytogenetic location: 11p11.2.
Variant type: single nucleotide variant.
Coding change: c.162-449C>G on transcript NM_001199267.2 (MANE Select); 449 bases into the intron before coding-DNA position 162, C replaced by G.
Molecular consequence: intron variant. On other transcripts: missense variant (1).
Genome position (GRCh38, 1-based): chr11:46,366,842, C>G. VCF-style: chr11-46366842-C-G. GRCh37 (hg19) VCF-style: chr11-46388392-C-G.
Other names: c.213-449C>G (NM_201532.3); c.177-449C>G (NM_201533.3); c.162-449C>G (NM_001199266.2, NM_003646.4, NM_001199268.2); c.586C>G, p.His196Asp (NM_001105540.2); short protein forms H196D.
Identifiers: ClinVar variation 3617112 (VCV003617112.2).
Genomic context (GRCh38, chr11:46,366,842, plus strand): 5'-GCTCTCTGGGGCCTGCACGGCTACTATCGGCGCCTCAGCCAGCGGCGGCCCTCAGGCCAG[C>G]ACCCTGGCCCTGGGGGCCGAAGAGCCTCAGGCACCACCGCCGGCACCATGCTGCCCACCC-3'